The following is an entry in ClinVar:

NM_032043.3(BRIP1):c.2264C>G (p.Ala755Gly)

Gene: BRIP1 (BRCA1 interacting DNA helicase 1; minus strand). Cytogenetic location: 17q23.2.
Variant type: single nucleotide variant.
Coding change: c.2264C>G on transcript NM_032043.3 (MANE Select); coding-DNA position 2264, C replaced by G.
Protein change: p.Ala755Gly; replaces alanine 755 with glycine.
Molecular consequence: missense variant.
Genome position (GRCh38, 1-based): chr17:61,743,128, G>C on the plus strand (C>G on the coding strand, the complement: BRIP1 is on the minus strand). VCF-style: chr17-61743128-G-C. GRCh37 (hg19) VCF-style: chr17-59820489-G-C.
Other names: short protein forms A755G.
Identifiers: ClinVar variation 631025 (VCV000631025.19), dbSNP rs1555590565, ClinGen allele CA400482754.

ClinVar aggregate classification (germline): Uncertain significance. Review status: criteria provided, multiple submitters, no conflicts (2 of 4 stars). 3 submissions from 3 submitters: Uncertain significance (3). Last evaluated 2024-04-29.

Conditions:
Hereditary cancer-predisposing syndrome. Also called: Hereditary Cancer Syndrome; Neoplastic Syndromes, Hereditary; Tumor predisposition; Hereditary neoplastic syndrome. Identifiers: Orphanet 140162, MedGen C0027672, MeSH D009386, MONDO:0015356.
Familial cancer of breast. Also called: BREAST CANCER, FAMILIAL; hereditary breast carcinoma; Hereditary breast cancer. Identifiers: Orphanet 227535, MedGen C0346153, MONDO:0016419, OMIM 114480. Disease mechanism: loss of function.
Fanconi anemia complementation group J. Also called: BRIP1-Related Fanconi Anemia. Identifiers: Orphanet 84, MedGen C1836860, MONDO:0012187, OMIM 609054.

Submissions (3):

Labcorp Genetics (formerly Invitae), Labcorp
Classification: Uncertain significance for Familial cancer of breast; Fanconi anemia complementation group J. Last evaluated: 2024-04-29. Review status: criteria provided, single submitter. Criteria: Invitae Variant Classification Sherloc (09022015). Collection method: clinical testing. Allele origin: germline.
Comment: This sequence change replaces alanine, which is neutral and non-polar, with glycine, which is neutral and non-polar, at codon 755 of the BRIP1 protein (p.Ala755Gly). This variant is not present in population databases (gnomAD no frequency). This variant has not been reported in the literature in individuals affected with BRIP1-related conditions. ClinVar contains an entry for this variant (Variation ID: 631025). Advanced modeling of protein sequence and biophysical properties (such as structural, functional, and spatial information, amino acid conservation, physicochemical variation, residue mobility, and thermodynamic stability) performed at Invitae indicates that this missense variant is not expected to disrupt BRIP1 protein function with a negative predictive value of 80%. In summary, the available evidence is currently insufficient to determine the role of this variant in disease. Therefore, it has been classified as a Variant of Uncertain Significance.

Color Diagnostics, LLC DBA Color Health
Classification: Uncertain significance for Hereditary cancer-predisposing syndrome. Last evaluated: 2023-12-05. Review status: criteria provided, single submitter. Criteria: ACMG Guidelines, 2015. Collection method: clinical testing. Allele origin: germline.
Comment: This missense variant replaces alanine with glycine at codon 755 of the BRIP1 protein. Computational prediction suggests that this variant may have deleterious impact on protein structure and function (internally defined REVEL score threshold >= 0.7, PMID: 27666373). To our knowledge, functional studies have not been reported for this variant. This variant has not been reported in individuals affected with BRIP1-related disorders in the literature. This variant has not been identified in the general population by the Genome Aggregation Database (gnomAD). The available evidence is insufficient to determine the role of this variant in disease conclusively. Therefore, this variant is classified as a Variant of Uncertain Significance.

Ambry Genetics
Classification: Uncertain significance for Hereditary cancer-predisposing syndrome. Last evaluated: 2022-07-29. Review status: criteria provided, single submitter. Criteria: Ambry Variant Classification Scheme 2023. Collection method: clinical testing. Allele origin: germline.
Comment: The p.A755G variant (also known as c.2264C>G), located in coding exon 15 of the BRIP1 gene, results from a C to G substitution at nucleotide position 2264. The alanine at codon 755 is replaced by glycine, an amino acid with similar properties. This amino acid position is conserved. In addition, the in silico prediction for this alteration is inconclusive. Since supporting evidence is limited at this time, the clinical significance of this alteration remains unclear.